The following is an entry in ClinVar:

ClinVar aggregate classification (germline): Likely benign. Review status: criteria provided, multiple submitters, no conflicts (2 of 4 stars). 2 submissions from 2 submitters: Likely benign (2). Last evaluated 2023-05-29.

Conditions:
MEGF10-related myopathy (CMYO10A). Also called: Congenital myopathy 10A, severe variant. Identifiers: Orphanet 439212, MedGen C3280679, MONDO:0013731, OMIM 614399.

Allele frequency attached by ClinVar (database versions not stated): TOPMed below 0.00001; ExAC 0.00001; gnomAD 0.00001; gnomAD exomes 0.00001.
gnomAD v4.1: 17 of 1,612,666 alleles (0.0011%); highest among the groups gnomAD compares: Non-Finnish European, 0.0012%; no homozygotes.

Submissions (2):

Labcorp Genetics (formerly Invitae), Labcorp
Classification: Likely benign for MEGF10-related myopathy. Last evaluated: 2023-05-29. Review status: criteria provided, single submitter. Criteria: Invitae Variant Classification Sherloc (09022015). Collection method: clinical testing. Allele origin: germline.

CeGaT Center for Human Genetics Tuebingen
Classification: Likely benign. Last evaluated: 2022-09-01. Review status: criteria provided, single submitter. Criteria: CeGaT Center For Human Genetics Tuebingen Variant Classification Criteria Version 2. Collection method: clinical testing. Allele origin: germline. Affected: yes. Observed: 1 variant allele.
Comment: MEGF10: BP4, BP7

NM_001256545.2(MEGF10):c.249G>A (p.Gly83=)

Gene: MEGF10 (multiple EGF like domains 10; plus strand). Cytogenetic location: 5q23.2.
Variant type: single nucleotide variant.
Coding change: c.249G>A on transcript NM_001256545.2 (MANE Select); coding-DNA position 249, G replaced by A.
Protein change: p.Gly83=; no amino-acid change (glycine 83 retained).
Molecular consequence: synonymous variant.
Genome position (GRCh38, 1-based): chr5:127,340,560, G>A. VCF-style: chr5-127340560-G-A. GRCh37 (hg19) VCF-style: chr5-126676252-G-A.
Other names: c.249G>A, p.Gly83= (NM_001308119.2, NM_001308121.2, NM_032446.3).
Identifiers: ClinVar variation 2655669 (VCV002655669.27), dbSNP rs763760050, ClinGen allele CA3391215.